The following is an entry in ClinVar:

ClinVar aggregate classification (germline): Uncertain significance (1 of 4 stars; one submission).

Allele frequency attached by ClinVar (database versions not stated): gnomAD exomes 0.00002; gnomAD 0.00003; TOPMed 0.00003; ExAC 0.00004.

Submission:

Labcorp Genetics (formerly Invitae), Labcorp
Classification: Uncertain significance. Last evaluated: 2025-01-25. Review status: criteria provided, single submitter. Criteria: Invitae Variant Classification Sherloc (09022015). Collection method: clinical testing. Allele origin: germline.
Comment: This sequence change replaces arginine, which is basic and polar, with cysteine, which is neutral and slightly polar, at codon 106 of the KLHDC8B protein (p.Arg106Cys). This variant is present in population databases (rs760075849, gnomAD 0.009%). This variant has not been reported in the literature in individuals affected with KLHDC8B-related conditions. ClinVar contains an entry for this variant (Variation ID: 2985299). An algorithm developed to predict the effect of missense changes on protein structure and function (PolyPhen-2) suggests that this variant is likely to be disruptive. In summary, the available evidence is currently insufficient to determine the role of this variant in disease. Therefore, it has been classified as a Variant of Uncertain Significance.

NM_173546.3(KLHDC8B):c.316C>T (p.Arg106Cys)

Gene: KLHDC8B (kelch domain containing 8B; plus strand). Cytogenetic location: 3p21.31.
Variant type: single nucleotide variant.
Coding change: c.316C>T on transcript NM_173546.3 (MANE Select); coding-DNA position 316, C replaced by T.
Protein change: p.Arg106Cys; replaces arginine 106 with cysteine.
Molecular consequence: missense variant.
Genome position (GRCh38, 1-based): chr3:49,173,085, C>T. VCF-style: chr3-49173085-C-T. GRCh37 (hg19) VCF-style: chr3-49210518-C-T.
Other names: short protein forms R106C.
Identifiers: ClinVar variation 2985299 (VCV002985299.3), dbSNP rs760075849, ClinGen allele CA2395462.
Genomic context (GRCh38, chr3:49,173,085, plus strand): 5'-GGTGTGGATGAGGTCCAGAGCCCGGTAGCTGCTGTAGAGGCCTTCCTGATGGATGAGGGC[C>T]GCTGGGAGCGTCGGGCCACCCTCCCTCAAGCAGCCATGGGGGTTGCAACTGTGGAGAGAG-3'
Protein context (NP_775817.1, residues 96-116): AVEAFLMDEG[Arg106Cys]WERRATLPQA